The following is an entry in ClinVar:

ClinVar aggregate classification (germline): Likely benign. Review status: criteria provided, multiple submitters, no conflicts (2 of 4 stars). 3 submissions from 3 submitters: Likely benign (3). Last evaluated 2025-12-28.

Conditions:
Renal cell carcinoma. Identifiers: Orphanet 217071, MedGen C0007134, MeSH D002292, MONDO:0005086, HP:0005584.
Hereditary cancer-predisposing syndrome. Also called: Hereditary neoplastic syndrome; Tumor predisposition; Hereditary Cancer Syndrome; Neoplastic Syndromes, Hereditary. Identifiers: Orphanet 140162, MedGen C0027672, MeSH D009386, MONDO:0015356.
Papillary renal cell carcinoma type 1 (RCCP1). Also called: Renal adenocarcinoma; Renal cell carcinoma 1; Renal cell carcinoma, somatic; RENAL CELL CARCINOMA, PAPILLARY, 1, SOMATIC. Identifiers: Orphanet 47044, MedGen C1336839, OMIM 605074, HP:0011797.

Allele frequency attached by ClinVar (database versions not stated): gnomAD 0.00001; TOPMed 0.00001.
gnomAD v4.1: 11 of 1,613,434 alleles (0.00068%); highest among the groups gnomAD compares: Non-Finnish European, 0.00093%; no homozygotes.

Submissions (3):

Labcorp Genetics (formerly Invitae), Labcorp
Classification: Likely benign for Renal cell carcinoma. Last evaluated: 2025-12-28. Review status: criteria provided, single submitter. Criteria: Invitae Variant Classification Sherloc (09022015). Collection method: clinical testing. Allele origin: germline.

Myriad Genetics, Inc.
Classification: Likely benign for Papillary renal cell carcinoma type 1. Last evaluated: 2024-11-13. Review status: criteria provided, single submitter. Criteria: Myriad Autosomal Dominant, Autosomal Recessive and X-Linked Classification Criteria (2023). Collection method: clinical testing. Allele origin: unknown.
Comment: This variant is considered likely benign. This variant is intronic and is not expected to impact mRNA splicing.

Ambry Genetics
Classification: Likely benign for Hereditary cancer-predisposing syndrome. Last evaluated: 2024-09-19. Review status: criteria provided, single submitter. Criteria: Ambry Variant Classification Scheme 2023. Collection method: clinical testing. Allele origin: germline.

NM_000245.4(MET):c.3260-4A>G

Gene: MET (MET proto-oncogene, receptor tyrosine kinase; plus strand). Cytogenetic location: 7q31.2.
Variant type: single nucleotide variant.
Coding change: c.3260-4A>G on transcript NM_000245.4 (MANE Select); 4 bases into the intron before coding-DNA position 3260, A replaced by G.
Molecular consequence: intron variant.
Genome position (GRCh38, 1-based): chr7:116,777,385, A>G. VCF-style: chr7-116777385-A-G. GRCh37 (hg19) VCF-style: chr7-116417439-A-G.
Other names: c.3314-4A>G (LRG_662t1, NM_001127500.3); c.1970-4A>G (NM_001324402.2).
Identifiers: ClinVar variation 220429 (VCV000220429.16), dbSNP rs864622521, ClinGen allele CA349817.